The following is an entry in ClinVar:

NM_000059.4(BRCA2):c.3874C>T (p.Leu1292=)

Gene: BRCA2 (BRCA2 DNA repair associated; plus strand). Cytogenetic location: 13q13.1.
Variant type: single nucleotide variant.
Coding change: c.3874C>T on transcript NM_000059.4 (MANE Select); coding-DNA position 3874, C replaced by T.
Protein change: p.Leu1292=; no amino-acid change (leucine 1292 retained).
Molecular consequence: synonymous variant.
Genome position (GRCh38, 1-based): chr13:32,338,229, C>T. VCF-style: chr13-32338229-C-T. GRCh37 (hg19) VCF-style: chr13-32912366-C-T.
Other names: p.L1292L:CTG>TTG.
Identifiers: ClinVar variation 136559 (VCV000136559.28), dbSNP rs587780867, ClinGen allele CA019053.
Genomic context (GRCh38, chr13:32,338,229, plus strand): 5'-ATGTTTAAGATAGAAAATCATAATGATAAAACTGTAAGTGAAAAAAATAATAAATGCCAA[C>T]TGATATTACAAAATAATATTGAAATGACTACTGGCACTTTTGTTGAAGAAATTACTGAAA-3'
Protein context (NP_000050.3, residues 1282-1302): TVSEKNNKCQ[Leu1292=]ILQNNIEMTT

ClinVar aggregate classification (germline): Likely benign. Review status: reviewed by expert panel (3 of 4 stars). 12 submissions from 12 submitters: Likely benign (1). 11 of the submissions do not count toward it. Last evaluated 2017-06-29.

Conditions:
Breast and/or ovarian cancer. Identifiers: MedGen CN221562.
Hereditary cancer-predisposing syndrome. Also called: Tumor predisposition; Hereditary neoplastic syndrome; Neoplastic Syndromes, Hereditary; Hereditary Cancer Syndrome. Identifiers: Orphanet 140162, MedGen C0027672, MeSH D009386, MONDO:0015356.
Hereditary breast ovarian cancer syndrome. Also called: Hereditary breast and ovarian cancer; BRCA1- and BRCA2-Associated Hereditary Breast and Ovarian Cancer; Hereditary breast and/or ovarian cancer syndrome; Hereditary breast and ovarian cancer syndrome; Hereditary breast and ovarian cancer syndrome (HBOC); Breast and ovarian cancer. Identifiers: Orphanet 145, MedGen C0677776, MeSH D061325, MONDO:0003582. Disease mechanism: loss of function.
Breast-ovarian cancer, familial, susceptibility to, 2 (BROVCA2). Also called: BRCA2 Hereditary Breast and Ovarian Cancer. Identifiers: Orphanet 145, MedGen C2675520, MONDO:0012933, OMIM 612555. Disease mechanism: loss of function.

Allele frequency attached by ClinVar (database versions not stated): ExAC 0.00001; gnomAD 0.00001; gnomAD exomes 0.00001 and 0.00003; TOPMed 0.00003.

Submissions (12):

Evidence-based Network for the Interpretation of Germline Mutant Alleles (ENIGMA)
Classification: Likely benign for Breast-ovarian cancer, familial, susceptibility to, 2. Last evaluated: 2017-06-29. Review status: reviewed by expert panel. Criteria: ENIGMA BRCA1/2 Classification Criteria (2017-06-29). Collection method: curation. Allele origin: germline.
Comment: Synonymous substitution variant, with low bioinformatic likelihood to result in a splicing aberration (Splicing prior probability 0.02).

Labcorp Genetics (formerly Invitae), Labcorp
Classification: Likely benign for Hereditary breast ovarian cancer syndrome. Last evaluated: 2026-02-02. Review status: criteria provided, single submitter. Criteria: Invitae Variant Classification Sherloc (09022015). Collection method: clinical testing. Allele origin: germline. Not counted in ClinVar's aggregate classification.

Blueprint Genetics
Classification: Likely benign. Last evaluated: 2024-05-14. Review status: criteria provided, single submitter. Criteria: ACMG Guidelines, 2015. Collection method: clinical testing. Allele origin: germline. Not counted in ClinVar's aggregate classification.

All of Us Research Program, National Institutes of Health
Classification: Likely benign for Breast-ovarian cancer, familial, susceptibility to, 2. Last evaluated: 2023-12-13. Review status: criteria provided, single submitter. Criteria: ACMG Guidelines, 2015. Collection method: clinical testing. Allele origin: germline. Inheritance: Autosomal dominant inheritance. Observed: 9 variant alleles, 9 heterozygotes. Not counted in ClinVar's aggregate classification.
Comment: This study involves interpretation of variants in research participants for the purpose of population health screening. Participant phenotype was not available at the time of variant classification. Additional details can be found in publication PMID: 35346344, PMCID: PMC8962531

Quest Diagnostics Nichols Institute San Juan Capistrano
Classification: Likely benign. Last evaluated: 2022-10-04. Review status: criteria provided, single submitter. Criteria: Quest Diagnostics criteria. Collection method: clinical testing. Allele origin: unknown. Not counted in ClinVar's aggregate classification.

CHEO Genetics Diagnostic Laboratory, Children's Hospital of Eastern Ontario
Classification: Likely benign for Breast and/or ovarian cancer. Last evaluated: 2022-08-15. Review status: criteria provided, single submitter. Criteria: ACMG Guidelines, 2015. Collection method: clinical testing. Allele origin: germline. Not counted in ClinVar's aggregate classification.

Sema4
Classification: Likely benign for Hereditary cancer-predisposing syndrome. Last evaluated: 2021-11-14. Review status: criteria provided, single submitter. Criteria: Sema4 Curation Guidelines. Collection method: curation. Allele origin: germline. Not counted in ClinVar's aggregate classification.

Women's Health and Genetics/Laboratory Corporation of America, LabCorp
Classification: Likely benign. Last evaluated: 2019-07-28. Review status: criteria provided, single submitter. Criteria: LabCorp Variant Classification Summary - May 2015. Collection method: clinical testing. Allele origin: germline. Not counted in ClinVar's aggregate classification.

PreventionGenetics, part of Exact Sciences
Classification: Likely benign. Last evaluated: 2017-02-23. Review status: criteria provided, single submitter. Criteria: ACMG Guidelines, 2015. Collection method: clinical testing. Allele origin: germline. Not counted in ClinVar's aggregate classification.

Color Diagnostics, LLC DBA Color Health
Classification: Likely benign for Hereditary cancer-predisposing syndrome. Last evaluated: 2016-11-15. Review status: criteria provided, single submitter. Criteria: ACMG Guidelines, 2015. Collection method: clinical testing. Allele origin: germline. Not counted in ClinVar's aggregate classification.

Ambry Genetics
Classification: Likely benign for Hereditary cancer-predisposing syndrome. Last evaluated: 2014-07-11. Review status: criteria provided, single submitter. Criteria: Ambry Variant Classification Scheme 2023. Collection method: clinical testing. Allele origin: germline. Not counted in ClinVar's aggregate classification.

GeneDx
Classification: Benign. Last evaluated: 2014-05-27. Review status: criteria provided, single submitter. Criteria: GeneDx Variant Classification (06012015). Collection method: clinical testing. Allele origin: germline. Affected: yes. Not counted in ClinVar's aggregate classification.
Comment: This variant is considered likely benign or benign based on one or more of the following criteria: it is a conservative change, it occurs at a poorly conserved position in the protein, it is predicted to be benign by multiple in silico algorithms, and/or has population frequency not consistent with disease.